The following is an entry in ClinVar:

NM_000138.5(FBN1):c.4459+1del

Gene: FBN1 (fibrillin 1; minus strand). Cytogenetic location: 15q21.1.
Variant type: Deletion.
Coding change: c.4459+1del on transcript NM_000138.5 (MANE Select); the canonical splice donor site of the intron after coding-DNA position 4459, one base deleted (G; older notation c.4459+1delG).
Molecular consequence: splice donor variant.
Genome position (GRCh38, 1-based): chr15:48,470,633, C deleted on the plus strand (G on the coding strand, the reverse complement: FBN1 is on the minus strand); the first of 2 consecutive C bases (chr15:48,470,633-48,470,634); deleting either gives the same sequence. VCF-style (leftmost placement, unchanged base first): chr15-48470632-AC-A. GRCh37 (hg19) VCF-style: chr15-48762829-AC-A.
Other names: c.4459+1del (NM_001406716.1).
Identifiers: ClinVar variation 1740748 (VCV001740748.2), dbSNP rs2505508252, ClinGen allele CA2580089686.

ClinVar aggregate classification (germline): Likely pathogenic (1 of 4 stars; one submission).

Conditions:
Familial thoracic aortic aneurysm and aortic dissection (TAAD). Also called: Thoracic aortic aneurysms and dissections. Identifiers: Orphanet 91387, MedGen C4707243, MONDO:0019625.

Submission:

Ambry Genetics
Classification: Likely pathogenic for Familial thoracic aortic aneurysm and aortic dissection. Last evaluated: 2019-07-15. Review status: criteria provided, single submitter. Criteria: Ambry Variant Classification Scheme 2023. Collection method: clinical testing. Allele origin: germline.
Comment: The c.4459+1delG intronic variant, located in intron 35 of the FBN1 gene, results from a deletion of one nucleotide one nucleotide after coding exon 35 of the FBN1 gene. This nucleotide position is highly conserved in available vertebrate species. Using the BDGP and ESEfinder splice site prediction tools, this alteration is predicted to weaken the efficiency of the native splice donor site; however, direct evidence is unavailable. Alterations that disrupt the canonical splice site are expected to cause aberrant splicing, resulting in an abnormal protein or a transcript that is subject to nonsense-mediated mRNA decay. As such, this alteration is classified as likely pathogenic.